The following is an entry in ClinVar:

NM_002458.3(MUC5B):c.11520G>A (p.Thr3840=)

Genes: MUC5B (mucin 5B, oligomeric mucus/gel-forming; plus strand), MUC5B-AS1 (MUC5B antisense RNA 1; minus strand). Cytogenetic location: 11p15.5.
Variant type: single nucleotide variant.
Coding change: c.11520G>A on transcript NM_002458.3 (MANE Select); coding-DNA position 11520, G replaced by A.
Protein change: p.Thr3840=; no amino-acid change (threonine 3840 retained).
Molecular consequence: synonymous variant.
Genome position (GRCh38, 1-based): chr11:1,248,400, G>A. VCF-style: chr11-1248400-G-A. GRCh37 (hg19) VCF-style: chr11-1269630-G-A.
Identifiers: ClinVar variation 2641277 (VCV002641277.24), dbSNP rs755779798, ClinGen allele CA5807677.

ClinVar aggregate classification (germline): Likely benign (1 of 4 stars; one submission).

Allele frequency attached by ClinVar (database versions not stated): ExAC 0.00015; gnomAD 0.00015.

Submission:

CeGaT Center for Human Genetics Tuebingen
Classification: Likely benign. Last evaluated: 2023-07-01. Review status: criteria provided, single submitter. Criteria: CeGaT Center For Human Genetics Tuebingen Variant Classification Criteria Version 2. Collection method: clinical testing. Allele origin: germline. Affected: yes. Observed: 2 variant alleles.
Comment: MUC5B: BP4, BP7